The following is an entry in ClinVar:

ClinVar aggregate classification (germline): Pathogenic (1 of 4 stars; one submission).

Submission:

Labcorp Genetics (formerly Invitae), Labcorp
Classification: Pathogenic. Last evaluated: 2025-01-27. Review status: criteria provided, single submitter. Criteria: Invitae Variant Classification Sherloc (09022015). Collection method: clinical testing. Allele origin: germline.
Comment: This sequence change creates a premature translational stop signal (p.Arg85Glyfs*4) in the TBCK gene. It is expected to result in an absent or disrupted protein product. Loss-of-function variants in TBCK are known to be pathogenic (PMID: 27040692, 30103036). This variant is not present in population databases (gnomAD no frequency). This variant has not been reported in the literature in individuals affected with TBCK-related conditions. ClinVar contains an entry for this variant (Variation ID: 2866281). For these reasons, this variant has been classified as Pathogenic.

Literature cited by the submitters: PubMed 27040692; PubMed 30103036.

NM_001163435.3(TBCK):c.253del (p.Arg85fs)

Gene: TBCK (TBC1 domain containing kinase; minus strand). Cytogenetic location: 4q24.
Variant type: Deletion.
Coding change: c.253del on transcript NM_001163435.3 (MANE Select); coding-DNA position 253, one base deleted (A; older notation c.253delA).
Protein change: p.Arg85fs; shifts the reading frame from arginine 85.
Molecular consequence: frameshift variant. On other transcripts: 5 prime UTR variant (1).
Genome position (GRCh38, 1-based): chr4:106,295,107, T deleted on the plus strand (A on the coding strand, the reverse complement: TBCK is on the minus strand); the first of 3 consecutive T bases (chr4:106,295,107-106,295,109); deleting any one gives the same sequence. VCF-style (leftmost placement, unchanged base first): chr4-106295106-CT-C. GRCh37 (hg19) VCF-style: chr4-107216263-CT-C.
Other names: c.253del, p.Arg85fs (NM_001163436.4, NM_001163437.3, NM_033115.5); c.-365del (NM_001290768.2); short protein forms R85fs.
Identifiers: ClinVar variation 2866281 (VCV002866281.3), dbSNP rs1268456443, ClinGen allele CA784917308.